The following is an entry in ClinVar:

NM_000138.5(FBN1):c.442+1G>C

Gene: FBN1 (fibrillin 1; minus strand). Cytogenetic location: 15q21.1.
Variant type: single nucleotide variant.
Coding change: c.442+1G>C on transcript NM_000138.5 (MANE Select); the canonical splice donor site of the intron after coding-DNA position 442, G replaced by C.
Molecular consequence: splice donor variant.
Genome position (GRCh38, 1-based): chr15:48,600,138, C>G on the plus strand (G>C on the coding strand, the complement: FBN1 is on the minus strand). VCF-style: chr15-48600138-C-G. GRCh37 (hg19) VCF-style: chr15-48892335-C-G.
Other names: c.442+1G>C (NM_001406716.1, NM_001406717.1).
Identifiers: ClinVar variation 3071758 (VCV003071758.3), dbSNP rs868403743, ClinGen allele CA392446430.

ClinVar aggregate classification (germline): Likely pathogenic. Review status: criteria provided, multiple submitters, no conflicts (2 of 4 stars). 2 submissions from 2 submitters: Likely pathogenic (2). Last evaluated 2024-07-23.

Conditions:
Marfan syndrome (MFS). Also called: MARFAN SYNDROME, TYPE I; Marfan syndrome type 1; Marfan's syndrome; Marfan syndrome, classic; FBN1-Related Marfan Syndrome. Identifiers: Orphanet 284963, Orphanet 558, MedGen C0024796, MONDO:0007947, OMIM 154700.
Familial thoracic aortic aneurysm and aortic dissection (TAAD). Also called: Thoracic aortic aneurysms and dissections. Identifiers: Orphanet 91387, MedGen C4707243, MONDO:0019625.

Submissions (2):

Labcorp Genetics (formerly Invitae), Labcorp
Classification: Likely pathogenic for Marfan syndrome; Familial thoracic aortic aneurysm and aortic dissection. Last evaluated: 2024-07-23. Review status: criteria provided, single submitter. Criteria: Invitae Variant Classification Sherloc (09022015). Collection method: clinical testing. Allele origin: germline.
Comment: This sequence change affects a donor splice site in intron 5 of the FBN1 gene. It is expected to disrupt RNA splicing. Variants that disrupt the donor or acceptor splice site typically lead to a loss of protein function (PMID: 16199547), and loss-of-function variants in FBN1 are known to be pathogenic (PMID: 17657824, 19293843). This variant is not present in population databases (gnomAD no frequency). This variant has not been reported in the literature in individuals affected with FBN1-related conditions. Algorithms developed to predict the effect of sequence changes on RNA splicing suggest that this variant may disrupt the consensus splice site. In summary, the currently available evidence indicates that the variant is pathogenic, but additional data are needed to prove that conclusively. Therefore, this variant has been classified as Likely Pathogenic.

All of Us Research Program, National Institutes of Health
Classification: Likely pathogenic for Marfan syndrome. Last evaluated: 2023-06-26. Review status: criteria provided, single submitter. Criteria: ACMG Guidelines, 2015. Collection method: clinical testing. Allele origin: germline. Inheritance: Autosomal dominant inheritance. Observed: 1 variant allele, 1 heterozygote.
Comment: This variant causes a G to C nucleotide substitution at the +1 position of intron 5 of the FBN1 gene. Splice site prediction tools predict that this variant may have a significant impact on RNA splicing. Although this prediction has not been confirmed in published RNA studies, this variant is expected to result in an absent or disrupted protein product. This variant has not been reported in individuals affected with FBN1-related disorders in the literature. This variant has not been identified in the general population by the Genome Aggregation Database (gnomAD). A different variant occurring at the same position, c.442+1G>A, is known to be disease-causing (ClinVar variation ID: 546550). Loss of FBN1 gene function is a known mechanism of disease. Based on the available evidence, this variant is classified as Likely Pathogenic.

This study involves interpretation of variants in research participants for the purpose of population health screening. Participant phenotype was not available at the time of variant classification. Additional details can be found in publication PMID: 35346344, PMCID: PMC8962531

Literature cited by the submitters: PubMed 16199547 (cited by Labcorp Genetics (formerly Invitae), Labcorp); PubMed 17657824 (cited by Labcorp Genetics (formerly Invitae), Labcorp); PubMed 19293843 (cited by Labcorp Genetics (formerly Invitae), Labcorp).